The following is an entry in ClinVar:

GRCh37/hg19 Xq27.1-28(chrX:139504564-149382013)x2

Genes: AFF2 (ALF transcription elongation factor 2; plus strand), CDR1 (cerebellar degeneration related 1; minus strand), CXorf51A (chromosome X open reading frame 51A; minus strand), CXorf51B (chromosome X open reading frame 51B; plus strand), EOLA1 (endothelium and lymphocyte associated ASCH domain 1; plus strand) and 34 more. Cytogenetic location: Xq27.1-28.
Variant type: copy number gain.
Change: copy number 2 of chrX:139,504,564-149,382,013 (9.88 Mb, GRCh37 coordinates, 1-based), cytogenetic band Xq27.1-28.
Identifiers: ClinVar variation 1807692 (VCV001807692.1).

ClinVar aggregate classification (germline): Pathogenic (1 of 4 stars; one submission).

Submission:

Quest Diagnostics Nichols Institute San Juan Capistrano
Classification: Pathogenic. Last evaluated: 2021-06-10. Review status: criteria provided, single submitter. Criteria: ACMG/ClinGen CNV Guidelines, 2019. Collection method: clinical testing. Allele origin: unknown.
Comment: This copy number gain is expected to cause phenotypic and/or developmental abnormalities. It involves multiple genes including 28 protein-coding genes, such as FMR1 (OMIM 309550), SOX3 (OMIM 313430), and MAGEA8 (OMIM 300341). Interstitial duplications overlapping this region and containing FMR1 are associated with Xq27.3-q28 duplication syndrome (OMIM 300869), an X-linked neurodevelopmental disorder characterized by intellectual disability, delayed psychomotor development, facial dysmorphism, short stature, small hands and feet, and primary hypogonadism manifesting as high-pitched voice, sparse body hair, abdominal obesity, and small testes. Female carriers may have short stature and premature ovarian failure (Chaves et al., Sci Rep. 2019 Nov 28;9(1):17776. PMID: 31780800; Rio et al., Eur J Hum Genet. 2010 Mar;18(3):285-90. PMID: 19844254; Lachlan et al., Hum Genet. 2004 Oct;115(5):399-408. PMID: 15338277). Among the reported cases, some had very similar duplications like the current one, including a de novo 7.7 to 8.8 Mb Xq27.2-q28 duplication fully encompassed in the current interval and a familial 9.1 to 10.2 Mb Xq27.1-q28 duplication (Lachlan et al., Hum Genet. 2004 Oct;115(5):399-408. PMID: 15338277). A role for increased dose of FMR1 has been proposed in association with the hypogonadism and neurocognitive phenotypes of Xq27.3-q28 duplication syndrome (Nagamani et al., Neurogenetics. 2012 Nov;13(4):333-9. PMID: 22890812; Vengoechea et al., Eur J Hum Genet. 2012 Nov;20(11):1197-200. PMID: 22549406; Rio et al., Eur J Hum Genet. 2010 Mar;18(3):285-90. PMID: 19844254). Additionally, copy number gains of SOX3, including focal duplications, have been reported in individuals with congenital hypopituitarism with or without intellectual disability, craniofacial dysmorphism, or neural tube defects (Rosolowsky et al., J Pediatr Endocrinol Metab. 2020 Mar 26;33(3):443-447. PMID: 26352083; Arya et al., Horm Res Paediatr. 2019;92(6):382-389. PMID: 31678974; Hureaux et al. Prenat Diagn. 2019 Oct;39(11):1026-1034. PMID: 31299102; Uguen et al.; Am J Med Genet A. 2015 Jul;167(7):1676-8. PMID: 25900196; Bauters et al., Am J Med Genet A. 2014 Aug;164A(8):1947-52. PMID: 24737742; Stagi et al., Hormones (Athens). 2014 Oct-Dec;13(4):552-60. PMID: 25402377; Woods et al., Am J Hum Genet. 2005 May;76(5):833-49. PMID: 15800844.).